The following is an entry in ClinVar:

ClinVar aggregate classification (germline): Likely benign. Review status: criteria provided, multiple submitters, no conflicts (2 of 4 stars). 2 submissions from 2 submitters: Likely benign (2). Last evaluated 2026-01-14.

Allele frequency attached by ClinVar (database versions not stated): gnomAD 0.00001; TOPMed 0.00001.
gnomAD v4.1: 32 of 1,613,000 alleles (0.002%); highest among the groups gnomAD compares: Non-Finnish European, 0.0025%; no homozygotes.

Submissions (2):

Labcorp Genetics (formerly Invitae), Labcorp
Classification: Likely benign. Last evaluated: 2026-01-14. Review status: criteria provided, single submitter. Criteria: Invitae Variant Classification Sherloc (09022015). Collection method: clinical testing. Allele origin: germline.

CeGaT Center for Human Genetics Tuebingen
Classification: Likely benign. Last evaluated: 2023-07-01. Review status: criteria provided, single submitter. Criteria: CeGaT Center For Human Genetics Tuebingen Variant Classification Criteria Version 2. Collection method: clinical testing. Allele origin: germline. Affected: yes. Observed: 1 variant allele.
Comment: COL4A1: BP4, BP7

NM_001845.6(COL4A1):c.2070A>G (p.Gly690=)

Gene: COL4A1 (collagen type IV alpha 1 chain; minus strand). Cytogenetic location: 13q34.
Variant type: single nucleotide variant.
Coding change: c.2070A>G on transcript NM_001845.6 (MANE Select); coding-DNA position 2070, A replaced by G.
Protein change: p.Gly690=; no amino-acid change (glycine 690 retained).
Molecular consequence: synonymous variant.
Genome position (GRCh38, 1-based): chr13:110,183,018, T>C on the plus strand (A>G on the coding strand, the complement: COL4A1 is on the minus strand). VCF-style: chr13-110183018-T-C. GRCh37 (hg19) VCF-style: chr13-110835365-T-C.
Identifiers: ClinVar variation 1942036 (VCV001942036.30), dbSNP rs1372207482, ClinGen allele CA484790078.
Genomic context (GRCh38, chr13:110,183,018, plus strand): 5'-TGGACCAAAGGCTCGGGTCCGTCTGGCAGGGTTACCTTTGGGGCCGGGGGGCCCTGGAAA[T>C]CCAATGCCTGGCTGGCCCACAGCGCCCTTCTCTCCTGGCAGGCCTGGCCTTCCTGGGGTT-3'
Protein context (NP_001836.3, residues 680-700): EKGAVGQPGI[Gly690=]FPGPPGPKGV